The following is an entry in ClinVar:

NM_014994.3(MAPKBP1):c.1780_1782del (p.Lys594del)

Gene: MAPKBP1 (mitogen-activated protein kinase binding protein 1; plus strand). Cytogenetic location: 15q15.1.
Variant type: Deletion.
Coding change: c.1780_1782del on transcript NM_014994.3 (MANE Select); coding-DNA positions 1780 to 1782, 3 bases deleted (AAG; older notation c.1780_1782delAAG).
Protein change: p.Lys594del; deletes lysine 594.
Molecular consequence: inframe deletion. On other transcripts: non-coding transcript variant (2).
Genome position (GRCh38, 1-based): chr15:41,817,456-41,817,458, AAG deleted; deleting any 3 consecutive bases within chr15:41,817,454-41,817,458 gives the same sequence; the c. name uses the placement nearest the transcript's 3' end. VCF-style (leftmost placement, unchanged base first): chr15-41817453-CAGA-C. GRCh37 (hg19) VCF-style: chr15-42109651-CAGA-C.
Other names: c.1798_1800del, p.Lys600del (NM_001128608.2); c.1780_1782del, p.Lys594del (NM_001265611.2); short protein forms K594del, K600del.
Identifiers: ClinVar variation 4859523 (VCV004859523.1).

ClinVar aggregate classification (germline): Uncertain significance (1 of 4 stars; one submission).

Conditions:
Inborn genetic diseases. Identifiers: MedGen C0950123, MeSH D030342.

Submission:

Ambry Genetics
Classification: Uncertain significance for Inborn genetic diseases. Last evaluated: 2026-03-30. Review status: criteria provided, single submitter. Criteria: Ambry Variant Classification Scheme 2023. Collection method: clinical testing. Allele origin: germline.
Comment: The c.1798_1800delAAG (p.K600del) alteration is located in exon 16 (coding exon 15) of the MAPKBP1 gene. This alteration consists of an in-frame deletion of 3 nucleotides between nucleotide positions c.1798 and c.1800, resulting in the deletion of 1 residue. This variant was not reported in population-based cohorts in the Genome Aggregation Database (gnomAD). This amino acid position is well conserved in available vertebrate species. This variant is predicted to be deleterious by in silico analysis (Choi, 2012). Based on insufficient or conflicting evidence, the clinical significance of this alteration remains unclear.